The following is an entry in ClinVar:

NM_033305.3(VPS13A):c.9403C>T (p.Arg3135Ter)

Gene: VPS13A (vacuolar protein sorting 13 homolog A; plus strand). Cytogenetic location: 9q21.2.
Variant type: single nucleotide variant.
Coding change: c.9403C>T on transcript NM_033305.3 (MANE Select); coding-DNA position 9403, C replaced by T.
Protein change: p.Arg3135Ter; replaces arginine 3135 with a stop codon.
Molecular consequence: nonsense.
Genome position (GRCh38, 1-based): chr9:77,407,536, C>T. VCF-style: chr9-77407536-C-T. GRCh37 (hg19) VCF-style: chr9-80022452-C-T.
Other names: c.9286C>T, p.Arg3096Ter (NM_001018037.2); short protein forms R3096*, R3135*.
Identifiers: ClinVar variation 860008 (VCV000860008.13), dbSNP rs148173878, ClinGen allele CA5094055.

ClinVar aggregate classification (germline): Pathogenic/Likely pathogenic. Review status: criteria provided, multiple submitters, no conflicts (2 of 4 stars). 5 submissions from 5 submitters: Pathogenic (4); Likely pathogenic (1). Last evaluated 2025-08-25.

Conditions:
VPS13A-related disorder. Also called: VPS13A-related condition.
VPS13A-related neurodegenerative disease. Also called: LEVINE-CRITCHLEY SYNDROME; Choreoacanthocytosis; Chorea-acanthocytosis; Choreaacanthocytosis; VPS13A Disease; ACANTHOCYTOSIS WITH NEUROLOGIC DISORDER. Identifiers: Orphanet 2388, MedGen C0393576, MONDO:0008695, OMIM 200150.

Allele frequency attached by ClinVar (database versions not stated): gnomAD 0.00001; ExAC 0.00002; TOPMed 0.00002; ESP Exome Variant Server 0.00008.
gnomAD v4.1: 19 of 1,610,804 alleles (0.0012%); highest among the groups gnomAD compares: African/African-American, 0.004%; no homozygotes.

Submissions (5):

PreventionGenetics, part of Exact Sciences
Classification: Likely pathogenic for VPS13A-related condition. Last evaluated: 2025-08-25. Review status: criteria provided, single submitter. Criteria: ACMG Guidelines, 2015. Collection method: clinical testing. Allele origin: germline.
Comment: The VPS13A c.9403C>T variant is predicted to result in premature protein termination (p.Arg3135*). This variant has been reported in the compound heterozygous state in a patient with choreoacanthocytosis with dilated cardiomyopathy & myopathy (Kageyama et al 2007. PubMed ID: 17516458). However, dilated cardiomyopathy has not been reported in association with any other premature termination variant in this gene (Andreasen et al 2013. PubMed ID: 23299917). This variant is reported in 0.0050% of alleles in individuals of East Asian descent in gnomAD. Nonsense variants in VPS13A are expected to be pathogenic for autosomal recessive choreoacanthocytosis. This variant is interpreted as likely pathogenic.

Natera, Inc.
Classification: Pathogenic for Choreaacanthocytosis. Last evaluated: 2025-08-07. Review status: criteria provided, single submitter. Criteria: Natera Variant Classification Schema (03/2026). Collection method: clinical testing. Allele origin: germline.
Comment: The c.9403C>T variant in VPS13A is a nonsense variant predicted to introduce a stop codon at amino acid 3135. This variant is expected to result in nonsense mediated decay, truncation, or a dysfunctional protein product. This variant is rare in the general population with a frequency below the threshold expected for the associated phenotype(s). This variant has been observed in one or more individuals affected with the associated recessive disease, as either homozygous or compound heterozygous with a second variant (PMID: 23726790, 21598378, 17516458). Given the available evidence, this variant is classified as Pathogenic.

Blueprint Genetics
Classification: Pathogenic for VPS13A-related disorders. Last evaluated: 2024-07-25. Review status: criteria provided, single submitter. Criteria: ACMG Guidelines, 2015. Collection method: clinical testing. Allele origin: germline. Affected: yes. Observed: 2 variant alleles.

Fulgent Genetics
Classification: Pathogenic for VPS13A-related neurodegenerative disease. Last evaluated: 2024-03-05. Review status: criteria provided, single submitter. Criteria: ACMG Guidelines, 2015. Collection method: clinical testing. Allele origin: germline.

Labcorp Genetics (formerly Invitae), Labcorp
Classification: Pathogenic. Last evaluated: 2024-02-25. Review status: criteria provided, single submitter. Criteria: Invitae Variant Classification Sherloc (09022015). Collection method: clinical testing. Allele origin: germline.
Comment: This sequence change creates a premature translational stop signal (p.Arg3135*) in the VPS13A gene. It is expected to result in an absent or disrupted protein product. Loss-of-function variants in VPS13A are known to be pathogenic (PMID: 12404112, 21598378). This variant is present in population databases (rs148173878, gnomAD 0.005%). This premature translational stop signal has been observed in individual(s) with choreoacanthocytosis (PMID: 17516458, 21598378). ClinVar contains an entry for this variant (Variation ID: 860008). For these reasons, this variant has been classified as Pathogenic.

Literature cited by the submitters: PubMed 23726790 (cited by Natera, Inc.); PubMed 21598378 (cited by Natera, Inc. and Labcorp Genetics (formerly Invitae), Labcorp); PubMed 17516458 (cited by Natera, Inc. and Labcorp Genetics (formerly Invitae), Labcorp); PubMed 12404112 (cited by Labcorp Genetics (formerly Invitae), Labcorp).